The following is an entry in ClinVar:

NM_002661.5(PLCG2):c.776C>T (p.Ala259Val)

Gene: PLCG2 (phospholipase C gamma 2; plus strand). Cytogenetic location: 16q23.3.
Variant type: single nucleotide variant.
Coding change: c.776C>T on transcript NM_002661.5 (MANE Select); coding-DNA position 776, C replaced by T.
Protein change: p.Ala259Val; replaces alanine 259 with valine.
Molecular consequence: missense variant.
Genome position (GRCh38, 1-based): chr16:81,889,182, C>T. VCF-style: chr16-81889182-C-T. GRCh37 (hg19) VCF-style: chr16-81922787-C-T.
Other names: c.776C>T, p.Ala259Val (NM_001425749.1, NM_001425750.1, NM_001425751.1); short protein forms A259V.
Identifiers: ClinVar variation 2703589 (VCV002703589.3), dbSNP rs2507613030, ClinGen allele CA396897667.

ClinVar aggregate classification (germline): Uncertain significance (1 of 4 stars; one submission).

Conditions:
Familial cold autoinflammatory syndrome 3 (FCAS3). Also called: FAMILIAL ATYPICAL COLD URTICARIA; ANTIBODY DEFICIENCY AND IMMUNE DYSREGULATION, PLCG2-ASSOCIATED. Identifiers: Orphanet 300359, MedGen C3280914, MONDO:0013766, OMIM 614468.

Allele frequency attached by ClinVar (database versions not stated): gnomAD exomes below 0.00001.
gnomAD v4.1: 1 of 1,593,522 alleles (0.000063%); highest among the groups gnomAD compares: Non-Finnish European, 0.000086%; no homozygotes.

Submission:

Labcorp Genetics (formerly Invitae), Labcorp
Classification: Uncertain significance for Familial cold autoinflammatory syndrome 3. Last evaluated: 2023-12-16. Review status: criteria provided, single submitter. Criteria: Invitae Variant Classification Sherloc (09022015). Collection method: clinical testing. Allele origin: germline.
Comment: This sequence change replaces alanine, which is neutral and non-polar, with valine, which is neutral and non-polar, at codon 259 of the PLCG2 protein (p.Ala259Val). This variant is not present in population databases (gnomAD no frequency). This variant has not been reported in the literature in individuals affected with PLCG2-related conditions. An algorithm developed to predict the effect of missense changes on protein structure and function (PolyPhen-2) suggests that this variant is likely to be disruptive. In summary, the available evidence is currently insufficient to determine the role of this variant in disease. Therefore, it has been classified as a Variant of Uncertain Significance.